The following is an entry in ClinVar:

NM_000214.3(JAG1):c.3311A>T (p.His1104Leu)

Gene: JAG1 (jagged canonical Notch ligand 1; minus strand). Cytogenetic location: 20p12.2.
Variant type: single nucleotide variant.
Coding change: c.3311A>T on transcript NM_000214.3 (MANE Select); coding-DNA position 3311, A replaced by T.
Protein change: p.His1104Leu; replaces histidine 1104 with leucine.
Molecular consequence: missense variant.
Genome position (GRCh38, 1-based): chr20:10,639,844, T>A on the plus strand (A>T on the coding strand, the complement: JAG1 is on the minus strand). VCF-style: chr20-10639844-T-A. GRCh37 (hg19) VCF-style: chr20-10620492-T-A.
Other names: c.3311A>T (NM_000214.2); short protein forms H1104L.
Identifiers: ClinVar variation 1064265 (VCV001064265.10), dbSNP rs1788979891, ClinGen allele CA408243415.

ClinVar aggregate classification (germline): Uncertain significance. Review status: criteria provided, multiple submitters, no conflicts (2 of 4 stars). 2 submissions from 2 submitters: Uncertain significance (2). Last evaluated 2024-08-19.

Conditions:
Cardiovascular phenotype. Identifiers: MedGen CN230736.
Alagille syndrome due to a JAG1 point mutation. Also called: HEPATIC DUCTULAR HYPOPLASIA, SYNDROMATIC; JAG1-Related Alagille Syndrome; Alagille Syndrome 1. Identifiers: Orphanet 261619, Orphanet 52, MedGen C1956125, MONDO:0016862, OMIM 118450.

Allele frequency attached by ClinVar (database versions not stated): gnomAD 0.00001; TOPMed 0.00002.
gnomAD v4.1: 2 of 1,614,010 alleles (0.00012%); highest among the groups gnomAD compares: African/African-American, 0.0013%; no homozygotes.

Submissions (2):

Ambry Genetics
Classification: Uncertain significance for Cardiovascular phenotype. Last evaluated: 2024-08-19. Review status: criteria provided, single submitter. Criteria: Ambry Variant Classification Scheme 2023. Collection method: clinical testing. Allele origin: germline.
Comment: The p.H1104L variant (also known as c.3311A>T), located in coding exon 26 of the JAG1 gene, results from an A to T substitution at nucleotide position 3311. The histidine at codon 1104 is replaced by leucine, an amino acid with similar properties. This amino acid position is conserved. In addition, this alteration is predicted to be tolerated by in silico analysis. Based on the available evidence, the clinical significance of this variant remains unclear.

Labcorp Genetics (formerly Invitae), Labcorp
Classification: Uncertain significance for Alagille syndrome due to a JAG1 point mutation. Last evaluated: 2022-10-22. Review status: criteria provided, single submitter. Criteria: Invitae Variant Classification Sherloc (09022015). Collection method: clinical testing. Allele origin: germline.
Comment: In summary, the available evidence is currently insufficient to determine the role of this variant in disease. Therefore, it has been classified as a Variant of Uncertain Significance. Advanced modeling of protein sequence and biophysical properties (such as structural, functional, and spatial information, amino acid conservation, physicochemical variation, residue mobility, and thermodynamic stability) performed at Invitae indicates that this missense variant is not expected to disrupt JAG1 protein function. ClinVar contains an entry for this variant (Variation ID: 1064265). This variant has not been reported in the literature in individuals affected with JAG1-related conditions. This variant is not present in population databases (gnomAD no frequency). This sequence change replaces histidine, which is basic and polar, with leucine, which is neutral and non-polar, at codon 1104 of the JAG1 protein (p.His1104Leu).